The following is an entry in ClinVar:

ClinVar aggregate classification (germline): Uncertain significance (1 of 4 stars; one submission).

Conditions:
Charcot-Marie-Tooth disease axonal type 2O. Also called: CHARCOT-MARIE-TOOTH NEUROPATHY, AXONAL, TYPE 2O; CHARCOT-MARIE-TOOTH DISEASE, AXONAL, AUTOSOMAL DOMINANT, TYPE 2O; Charcot-Marie-Tooth Neuropathy Type 2O; Charcot-Marie-Tooth disease, axonal, type 20. Identifiers: Orphanet 284232, MedGen C3280220, MONDO:0013644, OMIM 614228.

Submission:

Labcorp Genetics (formerly Invitae), Labcorp
Classification: Uncertain significance for Charcot-Marie-Tooth disease axonal type 2O. Last evaluated: 2021-05-25. Review status: criteria provided, single submitter. Criteria: Invitae Variant Classification Sherloc (09022015). Collection method: clinical testing. Allele origin: germline.
Comment: In summary, the available evidence is currently insufficient to determine the role of this variant in disease. Therefore, it has been classified as a Variant of Uncertain Significance. Algorithms developed to predict the effect of missense changes on protein structure and function (SIFT, PolyPhen-2, Align-GVGD) all suggest that this variant is likely to be disruptive, but these predictions have not been confirmed by published functional studies and their clinical significance is uncertain. This variant has not been reported in the literature in individuals with DYNC1H1-related conditions. This variant is not present in population databases (ExAC no frequency). This sequence change replaces arginine with leucine at codon 1943 of the DYNC1H1 protein (p.Arg1943Leu). The arginine residue is highly conserved and there is a moderate physicochemical difference between arginine and leucine.

NM_001376.5(DYNC1H1):c.5828G>T (p.Arg1943Leu)

Gene: DYNC1H1 (dynein cytoplasmic 1 heavy chain 1; plus strand). Cytogenetic location: 14q32.31.
Variant type: single nucleotide variant.
Coding change: c.5828G>T on transcript NM_001376.5 (MANE Select); coding-DNA position 5828, G replaced by T.
Protein change: p.Arg1943Leu; replaces arginine 1943 with leucine.
Molecular consequence: missense variant.
Genome position (GRCh38, 1-based): chr14:102,008,188, G>T. VCF-style: chr14-102008188-G-T. GRCh37 (hg19) VCF-style: chr14-102474525-G-T.
Other names: short protein forms R1943L.
Identifiers: ClinVar variation 1525300 (VCV001525300.8), dbSNP rs372377918, ClinGen allele CA391050916.
Genomic context (GRCh38, chr14:102,008,188, plus strand): 5'-ATTGAGGGCACAGCAGGTGGTTTTAGCGCCTTTCTTCCTCTCCTTTCCAGGCAATGGGCC[G>T]GATCTTTGTGGGCCTTTGCCAGGTGGGTGCCTGGGGCTGCTTTGACGAGTTCAACCGCCT-3'
Protein context (NP_001367.2, residues 1933-1953): DETFDFQAMG[Arg1943Leu]IFVGLCQVGA